The following is an entry in ClinVar:

ClinVar aggregate classification (germline): Pathogenic (1 of 4 stars; one submission).

Conditions:
Primary ciliary dyskinesia. Also called: Ciliary dyskinesia. Identifiers: Orphanet 244, MedGen C0008780, MONDO:0016575, HP:0012265.

Submission:

Labcorp Genetics (formerly Invitae), Labcorp
Classification: Pathogenic for Primary ciliary dyskinesia. Last evaluated: 2022-07-29. Review status: criteria provided, single submitter. Criteria: Invitae Variant Classification Sherloc (09022015). Collection method: clinical testing. Allele origin: germline.
Comment: This sequence change creates a premature translational stop signal (p.Glu949*) in the RPGR (ORF15) gene. While this is not anticipated to result in nonsense mediated decay, it is expected to disrupt the last 204 amino acid(s) of the RPGR (ORF15) protein. The frequency data for this variant in the population databases is considered unreliable, as metrics indicate insufficient coverage at this position in the gnomAD database. This variant has not been reported in the literature in individuals affected with RPGR (ORF15)-related conditions. This variant disrupts a region of the RPGR (ORF15) protein in which other variant(s) (p.Leu1130Lysfs*13) have been determined to be pathogenic (PMID: 22264887; Invitae). This suggests that this is a clinically significant region of the protein, and that variants that disrupt it are likely to be disease-causing. For these reasons, this variant has been classified as Pathogenic.

Literature cited by the submitters: PubMed 22264887.

NM_001034853.2(RPGR):c.2845G>T (p.Glu949Ter)

Gene: RPGR (retinitis pigmentosa GTPase regulator; minus strand). Cytogenetic location: Xp11.4.
Variant type: single nucleotide variant.
Coding change: c.2845G>T on transcript NM_001034853.2 (MANE Select); coding-DNA position 2845, G replaced by T.
Protein change: p.Glu949Ter; replaces glutamic acid 949 with a stop codon.
Molecular consequence: nonsense. On other transcripts: intron variant (8).
Genome position (GRCh38, 1-based): chrX:38,286,154, C>A on the plus strand (G>T on the coding strand, the complement: RPGR is on the minus strand). VCF-style: chrX-38286154-C-A. GRCh37 (hg19) VCF-style: chrX-38145407-C-A.
Other names: c.1569+4805G>T (NM_001367249.1, NM_001367250.1); c.1902+940G>T (NM_001367245.1); c.1386+4805G>T (NM_001367251.1); c.1719+940G>T (NM_001367246.1); c.1572+4805G>T (NM_001367247.1); c.1905+940G>T (NM_000328.3); c.1602+4805G>T (NM_001367248.1); short protein forms E949*.
Identifiers: ClinVar variation 2020118 (VCV002020118.4), dbSNP rs1601919951, ClinGen allele CA412729641.
Genomic context (GRCh38, chrX:38,286,154, plus strand): 5'-CCTCTTCCCCCTCCCCTTCTCCTTCCTCCTCTTCCCCCTCCCATTCTCCTTCCTCCTCTT[C>A]CCCCTCCCCTTCTCCATCCTCCCCTTCCCCTTCTCCTTCCTCCTCTTCCCCCTCCCCTTC-3'